The following is an entry in ClinVar:

NM_001374353.1(GLI2):c.4254C>G (p.Asp1418Glu)

Gene: GLI2 (GLI family zinc finger 2; plus strand). Cytogenetic location: 2q14.2.
Variant type: single nucleotide variant.
Coding change: c.4254C>G on transcript NM_001374353.1 (MANE Select); coding-DNA position 4254, C replaced by G.
Protein change: p.Asp1418Glu; replaces aspartic acid 1418 with glutamic acid.
Molecular consequence: missense variant.
Genome position (GRCh38, 1-based): chr2:120,990,219, C>G. VCF-style: chr2-120990219-C-G. GRCh37 (hg19) VCF-style: chr2-121747795-C-G.
Other names: c.4305C>G, p.Asp1435Glu (NM_001371271.1, NM_005270.5); c.3879C>G, p.Asp1293Glu (NM_001374354.1); c.4305C>G (NM_005270.4); short protein forms D1293E, D1418E, D1435E.
Identifiers: ClinVar variation 3067357 (VCV003067357.21), dbSNP rs140565050, ClinGen allele CA1852590.

ClinVar aggregate classification (germline): Likely benign. Review status: criteria provided, multiple submitters, no conflicts (2 of 4 stars). 2 submissions from 2 submitters: Likely benign (2). Last evaluated 2025-12-16.

Conditions:
Inborn genetic diseases. Identifiers: MedGen C0950123, MeSH D030342.

gnomAD v4.1: 84 of 1,613,442 alleles (0.0052%); highest among the groups gnomAD compares: Admixed American, 0.012%; no homozygotes.

Submissions (2):

Ambry Genetics
Classification: Likely benign for Inborn genetic diseases. Last evaluated: 2025-12-16. Review status: criteria provided, single submitter. Criteria: Ambry Variant Classification Scheme 2023. Collection method: clinical testing. Allele origin: germline.

CeGaT Center for Human Genetics Tuebingen
Classification: Likely benign. Last evaluated: 2024-03-01. Review status: criteria provided, single submitter. Criteria: CeGaT Center For Human Genetics Tuebingen Variant Classification Criteria Version 2. Collection method: clinical testing. Allele origin: germline. Affected: yes. Observed: 1 variant allele.
Comment: GLI2: BP4